The following is an entry in ClinVar:

ClinVar aggregate classification (germline): Uncertain significance. Review status: criteria provided, multiple submitters, no conflicts (2 of 4 stars). 3 submissions from 3 submitters: Uncertain significance (3). Last evaluated 2025-06-12.

Conditions:
Inborn genetic diseases. Identifiers: MedGen C0950123, MeSH D030342.

Allele frequency attached by ClinVar (database versions not stated): TOPMed below 0.00001; gnomAD 0.00001; ExAC 0.00002.
gnomAD v4.1: 1 of 1,613,974 alleles (0.000062%); highest among the groups gnomAD compares: African/African-American, 0.0013%; no homozygotes.

Submissions (3):

Ambry Genetics
Classification: Uncertain significance for Inborn genetic diseases. Last evaluated: 2025-06-12. Review status: criteria provided, single submitter. Criteria: Ambry Variant Classification Scheme 2023. Collection method: clinical testing. Allele origin: germline.
Comment: The p.S240P variant (also known as c.718T>C), located in coding exon 5 of the MECOM gene, results from a T to C substitution at nucleotide position 718. The serine at codon 240 is replaced by proline, an amino acid with similar properties. This amino acid position is conserved. In addition, this alteration is predicted to be tolerated by in silico analysis. Based on the available evidence, the clinical significance of this variant remains unclear.

GeneDx
Classification: Uncertain significance. Last evaluated: 2023-12-19. Review status: criteria provided, single submitter. Criteria: GeneDx Variant Classification Process June 2021. Collection method: clinical testing. Allele origin: germline. Affected: yes.
Comment: In silico analysis supports that this missense variant does not alter protein structure/function; Has not been previously published as pathogenic or benign to our knowledge

Labcorp Genetics (formerly Invitae), Labcorp
Classification: Uncertain significance. Last evaluated: 2022-09-26. Review status: criteria provided, single submitter. Criteria: Invitae Variant Classification Sherloc (09022015). Collection method: clinical testing. Allele origin: germline.
Comment: This sequence change replaces serine, which is neutral and polar, with proline, which is neutral and non-polar, at codon 52 of the MECOM protein (p.Ser52Pro). This variant is present in population databases (rs766170290, gnomAD 0.007%). This variant has not been reported in the literature in individuals affected with MECOM-related conditions. Algorithms developed to predict the effect of missense changes on protein structure and function are either unavailable or do not agree on the potential impact of this missense change (SIFT: "Tolerated"; PolyPhen-2: "Possibly Damaging"; Align-GVGD: "Class C0"). In summary, the available evidence is currently insufficient to determine the role of this variant in disease. Therefore, it has been classified as a Variant of Uncertain Significance.

NM_004991.4(MECOM):c.718T>C (p.Ser240Pro)

Gene: MECOM (MDS1 and EVI1 complex locus; minus strand). Cytogenetic location: 3q26.2.
Variant type: single nucleotide variant.
Coding change: c.718T>C on transcript NM_004991.4 (MANE Select); coding-DNA position 718, T replaced by C.
Protein change: p.Ser240Pro; replaces serine 240 with proline.
Molecular consequence: missense variant.
Genome position (GRCh38, 1-based): chr3:169,127,956, A>G on the plus strand (T>C on the coding strand, the complement: MECOM is on the minus strand). VCF-style: chr3-169127956-A-G. GRCh37 (hg19) VCF-style: chr3-168845744-A-G.
Other names: c.154T>C (NM_001105078.3); c.718T>C (NM_004991.3); c.346T>C, p.Ser116Pro (NM_001105077.4); c.154T>C, p.Ser52Pro (NM_001105078.4, NM_001163999.2, NM_001164000.2 and 9 more transcripts); c.718T>C, p.Ser240Pro (NM_001366466.2, NM_001366473.2); short protein forms S240P, S116P, S52P.
Identifiers: ClinVar variation 2030893 (VCV002030893.6), dbSNP rs766170290, ClinGen allele CA2696485.